The following is an entry in ClinVar:

NM_015175.3(NBEAL2):c.3158G>T (p.Arg1053Ile)

Gene: NBEAL2 (neurobeachin like 2; plus strand). Cytogenetic location: 3p21.31.
Variant type: single nucleotide variant.
Coding change: c.3158G>T on transcript NM_015175.3 (MANE Select); coding-DNA position 3158, G replaced by T.
Protein change: p.Arg1053Ile; replaces arginine 1053 with isoleucine.
Molecular consequence: missense variant.
Genome position (GRCh38, 1-based): chr3:46,998,502, G>T. VCF-style: chr3-46998502-G-T. GRCh37 (hg19) VCF-style: chr3-47039992-G-T.
Other names: c.3056G>T, p.Arg1019Ile (NM_001365116.2); short protein forms R1019I, R1053I.
Identifiers: ClinVar variation 2316394 (VCV002316394.4), dbSNP rs149412572, ClinGen allele CA2360859.

ClinVar aggregate classification (germline): Uncertain significance. Review status: criteria provided, multiple submitters, no conflicts (2 of 4 stars). 2 submissions from 2 submitters: Uncertain significance (2). Last evaluated 2024-08-20.

Conditions:
Inborn genetic diseases. Identifiers: MedGen C0950123, MeSH D030342.
NBEAL2-related disorder. Also called: NBEAL2-related condition.

Allele frequency attached by ClinVar (database versions not stated): ExAC 0.00007; 1000 Genomes Project 30x 0.00016; ESP Exome Variant Server 0.00016; 1000 Genomes Project 0.00020; gnomAD 0.00029; TOPMed 0.00031.
gnomAD v4.1: 90 of 1,613,486 alleles (0.0056%); highest among the groups gnomAD compares: African/African-American, 0.1%; no homozygotes.

Submissions (2):

Ambry Genetics
Classification: Uncertain significance for Inborn genetic diseases. Last evaluated: 2024-08-20. Review status: criteria provided, single submitter. Criteria: Ambry Variant Classification Scheme 2023. Collection method: clinical testing. Allele origin: germline.

PreventionGenetics, part of Exact Sciences
Classification: Uncertain significance for NBEAL2-related condition. Last evaluated: 2023-08-22. Review status: criteria provided, single submitter. Criteria: ACMG Guidelines, 2015. Collection method: clinical testing. Allele origin: germline.
Comment: The NBEAL2 c.3158G>T variant is predicted to result in the amino acid substitution p.Arg1053Ile. To our knowledge, this variant has not been reported in the literature. This variant is reported in 0.11% of alleles in individuals of African descent in gnomAD. Although we suspect that this variant may be benign, at this time, the clinical significance of this variant is uncertain due to the absence of conclusive functional and genetic evidence.